The following is an entry in ClinVar:

NM_000548.5(TSC2):c.2097+4A>G

Gene: TSC2 (TSC complex subunit 2; plus strand). Cytogenetic location: 16p13.3.
Variant type: single nucleotide variant.
Coding change: c.2097+4A>G on transcript NM_000548.5 (MANE Select); 4 bases into the intron after coding-DNA position 2097, A replaced by G.
Molecular consequence: intron variant.
Genome position (GRCh38, 1-based): chr16:2,071,938, A>G. VCF-style: chr16-2071938-A-G. GRCh37 (hg19) VCF-style: chr16-2121939-A-G.
Other names: c.2097+4A>G (NM_001114382.3, NM_021055.3, NM_001370405.1 and 3 more transcripts); c.1986+4A>G (NM_001318827.2); c.1497+4A>G (NM_001318831.2); c.1950+4A>G (NM_001318829.2); c.2130+4A>G (NM_001318832.2).
Identifiers: ClinVar variation 577192 (VCV000577192.6), dbSNP rs1567465686, ClinGen allele CA891843872.

ClinVar aggregate classification (germline): Uncertain significance (1 of 4 stars; one submission).

Conditions:
Tuberous sclerosis 2 (TSC2). Identifiers: Orphanet 805, MedGen C1860707, MONDO:0013199, OMIM 613254.

Submission:

Labcorp Genetics (formerly Invitae), Labcorp
Classification: Uncertain significance for Tuberous sclerosis 2. Last evaluated: 2018-06-06. Review status: criteria provided, single submitter. Criteria: Invitae Variant Classification Sherloc (09022015). Collection method: clinical testing. Allele origin: germline.
Comment: In summary, the available evidence is currently insufficient to determine the role of this variant in disease. Therefore, it has been classified as a Variant of Uncertain Significance. This sequence change falls in intron 19 of the TSC2 gene. It does not directly change the encoded amino acid sequence of the TSC2 protein, but it affects a nucleotide within the consensus splice site of the intron. While this variant is not present in population databases, the frequency information is unreliable, as metrics indicate poor data quality at this position in the ExAC database. This variant has not been reported in the literature in individuals with TSC2-related disease. Nucleotide substitutions within the consensus splice site are a relatively common cause of aberrant splicing (PMID: 17576681, 9536098). Algorithms developed to predict the effect of sequence changes on RNA splicing suggest that this variant may disrupt the consensus splice site, but this prediction has not been confirmed by published transcriptional studies.

Literature cited by the submitters: PubMed 17576681; PubMed 9536098.